The following is an entry in ClinVar:

ClinVar aggregate classification (germline): Conflicting classifications of pathogenicity. Review status: criteria provided, conflicting classifications (1 of 4 stars). 10 submissions from 10 submitters: Uncertain significance (7); Likely benign (1). 2 of the submissions do not count toward it. Last evaluated 2026-08-26.

Conditions:
TTN-related disorder. Also called: TTN-related disorders; TTN-related condition; TTN-related disease.
Cardiovascular phenotype. Identifiers: MedGen CN230736.
Autosomal recessive limb-girdle muscular dystrophy type 2J (LGMDR10). Also called: Limb-girdle muscular dystrophy, type 2J; MUSCULAR DYSTROPHY, LIMB-GIRDLE, AUTOSOMAL RECESSIVE 10. Identifiers: Orphanet 140922, MedGen C1837342, MONDO:0012127, OMIM 608807.
Dilated cardiomyopathy 1G (CMD1G). Identifiers: Orphanet 154, MedGen C1858763, MONDO:0011400, OMIM 604145.

Allele frequency attached by ClinVar (database versions not stated): ExAC 0.00002; TOPMed 0.00003; gnomAD 0.00004 and 0.00005; gnomAD exomes 0.00005 and 0.00009.
gnomAD v4.1: 134 of 1,613,714 alleles (0.0083%); highest among the groups gnomAD compares: Non-Finnish European, 0.01%; no homozygotes.

Submissions (10):

PreventionGenetics, part of Exact Sciences
Classification: Uncertain significance for TTN-related condition. Last evaluated: 2026-08-26. Review status: criteria provided, single submitter. Criteria: ACMG Guidelines, 2015. Collection method: clinical testing. Allele origin: germline.
Comment: The TTN c.103658T>C variant is predicted to result in the amino acid substitution p.Ile34553Thr. This variant has been reported in an individual with dilated cardiomyopathy (Table S3, Mazzarotto et al. 2020. PubMed ID: 31983221). This variant is reported in 0.010% of alleles in individuals of East Asian descent in gnomAD. At this time, the clinical significance of this variant is uncertain due to the absence of conclusive functional and genetic evidence.

CeGaT Center for Human Genetics Tuebingen
Classification: Uncertain significance. Last evaluated: 2026-08-01. Review status: criteria provided, single submitter. Criteria: CeGaT Center For Human Genetics Tuebingen Variant Classification Criteria Version 2. Collection method: clinical testing. Allele origin: germline. Affected: yes. Observed: 1 variant allele.
Comment: TTN: PM2, BP4

Labcorp Genetics (formerly Invitae), Labcorp
Classification: Uncertain significance for Dilated cardiomyopathy 1G; Autosomal recessive limb-girdle muscular dystrophy type 2J. Last evaluated: 2025-10-25. Review status: criteria provided, single submitter. Criteria: Invitae Variant Classification Sherloc (09022015). Collection method: clinical testing. Allele origin: germline.
Comment: This sequence change replaces isoleucine, which is neutral and non-polar, with threonine, which is neutral and polar, at codon 34553 of the TTN protein (p.Ile34553Thr). This variant is present in population databases (rs727505196, gnomAD 0.01%). This missense change has been observed in individual(s) with dilated cardiomyopathy (PMID: 31983221; internal data). ClinVar contains an entry for this variant (Variation ID: 179887). An algorithm developed to predict the effect of missense changes on protein structure and function outputs the following: PolyPhen-2: "Not Available". The threonine amino acid residue is found in multiple mammalian species, which suggests that this missense change does not adversely affect protein function. This variant is located in the M band of TTN (PMID: 25589632). Non-truncating variants in this region may be relevant for neuromuscular disorders, but have not been definitively shown to cause cardiomyopathy (PMID: 23975875). In summary, the available evidence is currently insufficient to determine the role of this variant in disease. Therefore, it has been classified as a Variant of Uncertain Significance.

Mayo Clinic Laboratories, Mayo Clinic
Classification: Uncertain significance. Last evaluated: 2024-05-02. Review status: criteria provided, single submitter. Criteria: ACMG Guidelines, 2015. Collection method: clinical testing. Allele origin: germline. Observed: 1 variant allele.
Comment: BP4

Revvity Omics, Revvity
Classification: Uncertain significance. Last evaluated: 2022-04-01. Review status: criteria provided, single submitter. Criteria: ACMG Guidelines, 2015. Collection method: clinical testing. Allele origin: germline.

GeneDx
Classification: Likely benign. Last evaluated: 2020-09-15. Review status: criteria provided, single submitter. Criteria: GeneDx Variant Classification Process June 2021. Collection method: clinical testing. Allele origin: germline. Affected: yes.
Comment: This variant is associated with the following publications: (PMID: 31983221)

Ambry Genetics
Classification: Uncertain significance for Cardiovascular phenotype. Last evaluated: 2020-01-09. Review status: criteria provided, single submitter. Criteria: Ambry Variant Classification Scheme 2023. Collection method: clinical testing. Allele origin: germline.
Comment: The p.I25488T variant (also known as c.76463T>C), located in coding exon 185 of the TTN gene, results from a T to C substitution at nucleotide position 76463. The isoleucine at codon 25488 is replaced by threonine, an amino acid with similar properties. This amino acid position is poorly conserved in available vertebrate species. In addition, this alteration is predicted to be tolerated by in silico analysis. Since supporting evidence is limited at this time, the clinical significance of this alteration remains unclear.

Laboratory for Molecular Medicine, Mass General Brigham Personalized Medicine
Classification: Uncertain significance. Last evaluated: 2014-07-25. Review status: criteria provided, single submitter. Criteria: LMM Criteria. Collection method: clinical testing. Allele origin: germline. Observed: 1 variant allele.
Comment: The Ile31985Thr variant in TTN has not been previously reported in individuals w ith cardiomyopathy and was absent from large population studies. Isoleucine (Ile ) at position 31985 is not conserved in evolution and 1 mammal (chimp) carries a threonine (Thr) at this position, raising the possibility that this change may be tolerated. Additional computational prediction tools suggest that this varian t may not impact the protein, though this information is not predictive enough t o rule out pathogenicity. In summary, the clinical significance of the Ile31985T hr variant is uncertain.

Clinical Genetics, Academic Medical Center
Classification: Uncertain significance. Review status: no assertion criteria provided. Collection method: clinical testing. Allele origin: germline. Affected: yes. Study: VKGL Data-share Consensus. Not counted in ClinVar's aggregate classification.

Laboratory of Diagnostic Genome Analysis, Leiden University Medical Center (LUMC)
Classification: Uncertain significance. Review status: no assertion criteria provided. Collection method: clinical testing. Allele origin: germline. Affected: yes. Study: VKGL Data-share Consensus. Not counted in ClinVar's aggregate classification.

Literature cited by the submitters: PubMed 31983221 (cited by Labcorp Genetics (formerly Invitae), Labcorp and Mayo Clinic Laboratories, Mayo Clinic); PubMed 25589632 (cited by Labcorp Genetics (formerly Invitae), Labcorp); PubMed 23975875 (cited by Labcorp Genetics (formerly Invitae), Labcorp).

NM_001267550.2(TTN):c.103658T>C (p.Ile34553Thr)

Genes: TTN (titin; minus strand), TTN-AS1 (TTN antisense RNA 1; plus strand). Cytogenetic location: 2q31.2.
Variant type: single nucleotide variant.
Coding change: c.103658T>C on transcript NM_001267550.2 (MANE Select); coding-DNA position 103658, T replaced by C.
Protein change: p.Ile34553Thr; replaces isoleucine 34553 with threonine.
Molecular consequence: missense variant.
Genome position (GRCh38, 1-based): chr2:178,532,957, A>G on the plus strand (T>C on the coding strand, the complement: TTN is on the minus strand). VCF-style: chr2-178532957-A-G. GRCh37 (hg19) VCF-style: chr2-179397684-A-G.
Other names: c.98735T>C, p.Ile32912Thr (NM_001256850.1); c.76463T>C, p.Ile25488Thr (NM_003319.4); c.76838T>C, p.Ile25613Thr (NM_133432.3); c.77039T>C, p.Ile25680Thr (NM_133437.4); c.95954T>C, p.Ile31985Thr (NM_133378.4); short protein forms I31985T, I34553T, I25488T, I25613T, I25680T, I32912T.
Identifiers: ClinVar variation 179887 (VCV000179887.26), dbSNP rs727505196, ClinGen allele CA185350.
Genomic context (GRCh38, chr2:178,532,957, plus strand): 5'-TTTTTATACCACTTCATGTCAGACATGGGCACGAACTGCTTGATGCGTTGGTCTTCTTCT[A>G]TGGTAGTCTGCTTATACTTGCGTGGCTCTGGTACATCATAAGGCATCCGGAGTTTTCTCT-3'
Protein context (NP_001254479.2, residues 34543-34563): PEPRKYKQTT[Ile34553Thr]EEDQRIKQFV